The following is an entry in ClinVar:

NM_001039591.3(USP9X):c.355T>A (p.Phe119Ile)

Gene: USP9X (ubiquitin specific peptidase 9 X-linked; plus strand). Cytogenetic location: Xp11.4.
Variant type: single nucleotide variant.
Coding change: c.355T>A on transcript NM_001039591.3 (MANE Select); coding-DNA position 355, T replaced by A.
Protein change: p.Phe119Ile; replaces phenylalanine 119 with isoleucine.
Molecular consequence: missense variant.
Genome position (GRCh38, 1-based): chrX:41,134,757, T>A. VCF-style: chrX-41134757-T-A. GRCh37 (hg19) VCF-style: chrX-40994010-T-A.
Other names: c.355T>A, p.Phe119Ile (NM_001039590.3, NM_001410748.1, NM_001410749.1 and 1 more transcripts); short protein forms F119I.
Identifiers: ClinVar variation 5019191 (VCV005019191.2).

ClinVar aggregate classification (germline): Uncertain significance (1 of 4 stars; one submission).

Conditions:
Intellectual developmental disorder, X-linked 99. Also called: Intellectual disability, X-linked 99. Identifiers: Orphanet 777, MedGen C3806746, MONDO:0010487, OMIM 300919.
Intellectual developmental disorder, X-linked 99, syndromic, female-restricted. Also called: Intellectual disability, X-linked 99, syndromic, female-restricted. Identifiers: MedGen C4225416, MONDO:0010502, OMIM 300968.

Submission:

Juno Genomics, Hangzhou Juno Genomics, Inc
Classification: Uncertain significance for Intellectual developmental disorder, X-linked 99; Intellectual developmental disorder, X-linked 99, syndromic, female-restricted. Review status: criteria provided, single submitter. Criteria: ACMG Guidelines, 2015. Collection method: clinical testing. Allele origin: germline.
Comment: Absent from controls (or at extremely low frequency if recessive) in Genome Aggregation Database.;Missense variant in a gene that has a low rate of benign missense variation.